The following is an entry in ClinVar:

ClinVar aggregate classification (germline): Uncertain significance. Review status: criteria provided, multiple submitters, no conflicts (2 of 4 stars). 2 submissions from 2 submitters: Uncertain significance (2). Last evaluated 2022-12-31.

Conditions:
Loeys-Dietz syndrome 2 (LDS2). Also called: TGFBR2-Related Loeys-Dietz Syndrome; Marfan Syndrome type 2; Marfan like connective tissue disorder; MFS 2; AORTIC ANEURYSM, FAMILIAL THORACIC 3; MARFAN SYNDROME, TYPE II. Identifiers: Orphanet 284973, Orphanet 558, MedGen C2674574, MONDO:0012427, OMIM 610168.

Allele frequency attached by ClinVar (database versions not stated): gnomAD 0.00001; TOPMed 0.00001.

Submissions (2):

Labcorp Genetics (formerly Invitae), Labcorp
Classification: Uncertain significance for Loeys-Dietz syndrome 2. Last evaluated: 2022-12-31. Review status: criteria provided, single submitter. Criteria: Invitae Variant Classification Sherloc (09022015). Collection method: clinical testing. Allele origin: germline.
Comment: This variant is present in population databases (no rsID available, gnomAD 0.007%). ClinVar contains an entry for this variant (Variation ID: 1744728). This variant has not been reported in the literature in individuals affected with TMPO-related conditions. This sequence change replaces serine, which is neutral and polar, with cysteine, which is neutral and slightly polar, at codon 397 of the TMPO protein (p.Ser397Cys). In summary, the available evidence is currently insufficient to determine the role of this variant in disease. Therefore, it has been classified as a Variant of Uncertain Significance. Advanced modeling of protein sequence and biophysical properties (such as structural, functional, and spatial information, amino acid conservation, physicochemical variation, residue mobility, and thermodynamic stability) performed at Invitae indicates that this missense variant is not expected to disrupt TMPO protein function.

Ambry Genetics
Classification: Uncertain significance. Last evaluated: 2022-08-27. Review status: criteria provided, single submitter. Criteria: Ambry Variant Classification Scheme 2023. Collection method: clinical testing. Allele origin: germline.
Comment: The p.S397C variant (also known as c.1190C>G), located in coding exon 4 of the TMPO gene, results from a C to G substitution at nucleotide position 1190. The serine at codon 397 is replaced by cysteine, an amino acid with dissimilar properties. This amino acid position is conserved. In addition, the in silico prediction for this alteration is inconclusive. Since supporting evidence is limited at this time, the clinical significance of this alteration remains unclear.

NM_001032283.3(TMPO):c.565+1609C>G

Gene: TMPO (thymopoietin; plus strand). Cytogenetic location: 12q23.1.
Variant type: single nucleotide variant.
Coding change: c.565+1609C>G on transcript NM_001032283.3 (MANE Select); 1609 bases into the intron after coding-DNA position 565, C replaced by G.
Molecular consequence: intron variant. On other transcripts: missense variant (1).
Genome position (GRCh38, 1-based): chr12:98,533,447, C>G. VCF-style: chr12-98533447-C-G. GRCh37 (hg19) VCF-style: chr12-98927225-C-G.
Other names: c.1190C>G, p.Ser397Cys (NM_003276.2); c.565+1609C>G (NM_001307975.2, NM_001032284.3); short protein forms S397C.
Identifiers: ClinVar variation 1744728 (VCV001744728.5), dbSNP rs891817432, ClinGen allele CA242224733.